The following is an entry in ClinVar:

ClinVar aggregate classification (germline): Pathogenic. Review status: reviewed by expert panel (3 of 4 stars). 53 submissions from 48 submitters: Pathogenic (1). 52 of the submissions do not count toward it. Last evaluated 2016-04-22.

Conditions:
Inherited prostate cancer.
BRCA2-related cancer predisposition. Identifiers: MedGen CN377758, MONDO:0700269.
Inherited ovarian cancer (without breast cancer).
Inherited breast cancer and ovarian cancer.
BRCA2-related disorder. Also called: BRCA2-related condition; BRCA2-related disorders. Identifiers: MedGen CN239275.
Breast and/or ovarian cancer. Identifiers: MedGen CN221562.
Hereditary cancer-predisposing syndrome. Also called: Neoplastic Syndromes, Hereditary; Tumor predisposition; Hereditary Cancer Syndrome; Hereditary neoplastic syndrome. Identifiers: Orphanet 140162, MedGen C0027672, MeSH D009386, MONDO:0015356.
Hereditary breast ovarian cancer syndrome. Also called: Hereditary breast and ovarian cancer; Breast and ovarian cancer; Hereditary breast and/or ovarian cancer syndrome; Hereditary breast and ovarian cancer syndrome (HBOC); Hereditary breast and ovarian cancer syndrome; BRCA1- and BRCA2-Associated Hereditary Breast and Ovarian Cancer. Identifiers: Orphanet 145, MedGen C0677776, MeSH D061325, MONDO:0003582. Disease mechanism: loss of function.
Breast-ovarian cancer, familial, susceptibility to, 2 (BROVCA2). Also called: BRCA2 Hereditary Breast and Ovarian Cancer. Identifiers: Orphanet 145, MedGen C2675520, MONDO:0012933, OMIM 612555. Disease mechanism: loss of function.
Fanconi anemia complementation group D1. Also called: BRCA2-Related Fanconi Anemia. Identifiers: Orphanet 319462, MedGen C1838457, MONDO:0011584, OMIM 605724.
Breast-ovarian cancer, familial, susceptibility to, 1 (BROVCA1). Also called: OVARIAN CANCER, SUSCEPTIBILITY TO; BRCA1 Hereditary Breast and Ovarian Cancer. Identifiers: Orphanet 145, MedGen C2676676, MONDO:0011450, OMIM 604370. Disease mechanism: loss of function.
Familial cancer of breast. Also called: BREAST CANCER, FAMILIAL; Hereditary breast cancer; hereditary breast carcinoma. Identifiers: Orphanet 227535, MedGen C0346153, MONDO:0016419, OMIM 114480. Disease mechanism: loss of function.
Malignant tumor of breast. Also called: Malignant breast neoplasm; Cancer breast. Identifiers: MedGen C0006142, MONDO:0007254. Disease mechanism: loss of function.

Submissions 1 to 12 of 53:

Evidence-based Network for the Interpretation of Germline Mutant Alleles (ENIGMA)
Classification: Pathogenic for Breast-ovarian cancer, familial, susceptibility to, 2. Last evaluated: 2016-04-22. Review status: reviewed by expert panel. Criteria: ENIGMA BRCA1/2 Classification Criteria (2015). Collection method: curation. Allele origin: germline.
Comment: Variant allele predicted to encode a truncated non-functional protein.

Institute of Human Genetics, University of Leipzig Medical Center
Classification: Pathogenic for Breast-ovarian cancer, familial, susceptibility to, 2. Last evaluated: 2026-05-19. Review status: criteria provided, single submitter. Criteria: ACMG Guidelines, 2015. Collection method: clinical testing. Allele origin: unknown. Affected: yes. Not counted in ClinVar's aggregate classification.
Comment: Criteria applied: PVS1,PP4_VSTR,PM5_STR

Institute of Human Genetics, University of Leipzig Medical Center
Classification: Pathogenic for Familial cancer of breast. Last evaluated: 2026-05-19. Review status: criteria provided, single submitter. Criteria: ACMG Guidelines, 2015. Collection method: clinical testing. Allele origin: unknown. Inheritance: Autosomal dominant inheritance. Affected: yes. Not counted in ClinVar's aggregate classification.
Comment: the same text as in the submission from Institute of Human Genetics, University of Leipzig Medical Center above.

PreventionGenetics, part of Exact Sciences
Classification: Pathogenic for BRCA2-related condition. Last evaluated: 2026-02-20. Review status: criteria provided, single submitter. Criteria: ACMG Guidelines, 2015. Collection method: clinical testing. Allele origin: germline. Not counted in ClinVar's aggregate classification.
Comment: The BRCA2 c.7069_7070delCT variant is predicted to result in a frameshift and premature protein termination (p.Leu2357Valfs*2). This variant has been reported to be causative for hereditary breast, ovarian, pancreatic, and prostate cancer syndrome (HBOPP) (reported as 7297delCT in Garvin et al. 1997. PubMed ID: 9429140; Zhang et al. 2011. PubMed ID: 21324516; eTable 3, Pearlman et al. 2017. PubMed ID: 27978560; Song et al. 2014. PubMed ID: 24728189; Table S3, Labidi-Galy et al. 2018. PubMed ID: 29084914; Heramb et al. 2018. PubMed ID: 29339979). This variant is reported in 0.0054% of alleles in individuals of European (Non-Finnish) descent in gnomAD and is interpreted as pathogenic in ClinVar (Variation ID: 38082). Frameshift variants in BRCA2 are expected to be pathogenic. This variant is interpreted as pathogenic.

Center for Genomic Medicine, Rigshospitalet, Copenhagen University Hospital
Classification: Pathogenic. Last evaluated: 2025-12-29. Review status: criteria provided, single submitter. Criteria: ACMG Guidelines, 2015. Collection method: clinical testing. Allele origin: germline. Not counted in ClinVar's aggregate classification.

Labcorp Genetics (formerly Invitae), Labcorp
Classification: Pathogenic for Hereditary breast ovarian cancer syndrome. Last evaluated: 2025-12-26. Review status: criteria provided, single submitter. Criteria: Invitae Variant Classification Sherloc (09022015). Collection method: clinical testing. Allele origin: germline. Not counted in ClinVar's aggregate classification.
Comment: This sequence change creates a premature translational stop signal (p.Leu2357Valfs*2) in the BRCA2 gene. It is expected to result in an absent or disrupted protein product. Loss-of-function variants in BRCA2 are known to be pathogenic (PMID: 20104584). This variant is present in population databases (rs756538291, gnomAD 0.006%). This premature translational stop signal has been observed in individual(s) with breast and ovarian cancer (PMID: 9429140, 21324516, 24504028, 24728189). This variant is also known as 7297delCT. ClinVar contains an entry for this variant (Variation ID: 38082). For these reasons, this variant has been classified as Pathogenic.

Dasa
Classification: Pathogenic for Breast-ovarian cancer, familial, susceptibility to, 2. Last evaluated: 2025-12-08. Review status: criteria provided, single submitter. Criteria: DASA Assertion Criteria. Collection method: clinical testing. Allele origin: germline. Not counted in ClinVar's aggregate classification.
Comment: NM_000059.4(BRCA2):c.7069_7070del (p.Leu2357ValfsTer2) is a frameshift variant in BRCA2 predicted to alter the reading frame and introduce a premature termination codon and is predicted to result in an absent or altered protein product. Loss of function is an established disease mechanism for BRCA2 (PMID: 16199546; PMID: 17063271; PMID: 25632310). The affected residue or protein region has prior evidence supporting clinical relevance. Also, this variant is rare in population databases. Based on the currently available evidence, this variant is classified as pathogenic.

Cambridge Genomics Laboratory, East Genomic Laboratory Hub, NHS Genomic Medicine Service
Classification: Pathogenic for Inherited prostate cancer. Last evaluated: 2025-12-05. Review status: criteria provided, single submitter. Criteria: ACGS Best Practice Guidelines for Variant Classification in Rare Disease 2020. Collection method: clinical testing. Allele origin: germline. Affected: yes. Not counted in ClinVar's aggregate classification.
Comment: PVS1,PS4_Very Strong,PM5_Strong

Cambridge Genomics Laboratory, East Genomic Laboratory Hub, NHS Genomic Medicine Service
Classification: Pathogenic for Inherited ovarian cancer (without breast cancer). Last evaluated: 2025-11-04. Review status: criteria provided, single submitter. Criteria: ACGS Best Practice Guidelines for Variant Classification in Rare Disease 2020. Collection method: clinical testing. Allele origin: germline. Affected: yes. Not counted in ClinVar's aggregate classification.
Comment: the same text as in the submission from Cambridge Genomics Laboratory, East Genomic Laboratory Hub, NHS Genomic Medicine Service above.

Cambridge Genomics Laboratory, East Genomic Laboratory Hub, NHS Genomic Medicine Service
Classification: Pathogenic for Inherited breast cancer and ovarian cancer. Last evaluated: 2025-11-04. Review status: criteria provided, single submitter. Criteria: ACGS Best Practice Guidelines for Variant Classification in Rare Disease 2020. Collection method: clinical testing. Allele origin: germline. Affected: yes. Not counted in ClinVar's aggregate classification.
Comment: the same text as in the submission from Cambridge Genomics Laboratory, East Genomic Laboratory Hub, NHS Genomic Medicine Service above.

Institute of Immunology and Genetics Kaiserslautern
Classification: Pathogenic for Breast-ovarian cancer, familial, susceptibility to, 1. Last evaluated: 2025-07-31. Review status: criteria provided, single submitter. Criteria: ACMG Guidelines, 2015. Collection method: clinical testing. Allele origin: germline. Affected: yes. Not counted in ClinVar's aggregate classification.
Comment: ACMG Criteria: PVS1, PM2, PP5_M.

Mayo Clinic Laboratories, Mayo Clinic
Classification: Pathogenic. Last evaluated: 2025-07-10. Review status: criteria provided, single submitter. Criteria: ACMG Guidelines, 2015. Collection method: clinical testing. Allele origin: germline. Observed: 3 variant alleles. Not counted in ClinVar's aggregate classification.
Comment: PM5_strong, PVS1

NM_000059.4(BRCA2):c.7069_7070del (p.Leu2357fs)

Gene: BRCA2 (BRCA2 DNA repair associated; plus strand). Cytogenetic location: 13q13.1.
Variant type: Deletion.
Coding change: c.7069_7070del on transcript NM_000059.4 (MANE Select); coding-DNA positions 7069 to 7070, 2 bases deleted (CT; older notation c.7069_7070delCT).
Protein change: p.Leu2357fs; shifts the reading frame from leucine 2357.
Molecular consequence: frameshift variant.
Genome position (GRCh38, 1-based): chr13:32,354,922-32,354,923, CT deleted; deleting any 2 consecutive bases within chr13:32,354,921-32,354,923 gives the same sequence; the c. name uses the placement nearest the transcript's 3' end. VCF-style (leftmost placement, unchanged base first): chr13-32354920-TTC-T. GRCh37 (hg19) VCF-style: chr13-32929057-TTC-T.
Other names: 2357delCT; 7297_7298delCT; 7297delCT; c.7069_7070delCT (NM_000059.3).
Identifiers: ClinVar variation 38082 (VCV000038082.115), dbSNP rs80359636, ClinGen allele CA024835.